The following is an entry in ClinVar:

NM_024642.5(GALNT12):c.528C>G (p.Asp176Glu)

Gene: GALNT12 (polypeptide N-acetylgalactosaminyltransferase 12; plus strand). Cytogenetic location: 9q22.33.
Variant type: single nucleotide variant.
Coding change: c.528C>G on transcript NM_024642.5 (MANE Select); coding-DNA position 528, C replaced by G.
Protein change: p.Asp176Glu; replaces aspartic acid 176 with glutamic acid.
Molecular consequence: missense variant.
Genome position (GRCh38, 1-based): chr9:98,823,412, C>G. VCF-style: chr9-98823412-C-G. GRCh37 (hg19) VCF-style: chr9-101585694-C-G.
Other names: short protein forms D176E.
Identifiers: ClinVar variation 825622 (VCV000825622.15), dbSNP rs780049629, ClinGen allele CA5153960.
Genomic context (GRCh38, chr9:98,823,412, plus strand): 5'-TTACAGTGTCCTTGAGACATCCCCGGATATCCTGCTAGAAGAAGTGATCCTTGTAGATGA[C>G]TACAGTGATAGAGGTGAGTCCCGGCCAGGGCTCTGGGAAGAGCCTGTCCTTCTGTAGCAG-3'
Protein context (NP_078918.3, residues 166-186): ILLEEVILVD[Asp176Glu]YSDREHLKER

ClinVar aggregate classification (germline): Uncertain significance. Review status: criteria provided, multiple submitters, no conflicts (2 of 4 stars). 2 submissions from 2 submitters: Uncertain significance (2). Last evaluated 2025-09-22.

Allele frequency attached by ClinVar (database versions not stated): gnomAD 0.00001; gnomAD exomes 0.00001 and 0.00007; TOPMed 0.00001; ExAC 0.00002.
gnomAD v4.1: 95 of 1,614,008 alleles (0.0059%); highest among the groups gnomAD compares: Non-Finnish European, 0.008%; no homozygotes.

Submissions (2):

Ambry Genetics
Classification: Uncertain significance. Last evaluated: 2025-09-22. Review status: criteria provided, single submitter. Criteria: Ambry Variant Classification Scheme 2023. Collection method: clinical testing. Allele origin: germline.
Comment: The p.D176E variant (also known as c.528C>G), located in coding exon 2 of the GALNT12 gene, results from a C to G substitution at nucleotide position 528. The aspartic acid at codon 176 is replaced by glutamic acid, an amino acid with highly similar properties. This amino acid position is highly conserved in available vertebrate species. In addition, this alteration is predicted to be deleterious by in silico analysis. Since supporting evidence is limited at this time, the clinical significance of this alteration remains unclear.

Labcorp Genetics (formerly Invitae), Labcorp
Classification: Uncertain significance. Last evaluated: 2019-06-04. Review status: criteria provided, single submitter. Criteria: Invitae Variant Classification Sherloc (09022015). Collection method: clinical testing. Allele origin: germline.
Comment: In summary, the available evidence is currently insufficient to determine the role of this variant in disease. Therefore, it has been classified as a Variant of Uncertain Significance. Algorithms developed to predict the effect of missense changes on protein structure and function do not agree on the potential impact of this missense change (SIFT: "Deleterious"; PolyPhen-2: "Probably Damaging"; Align-GVGD: "Class C0"). This variant has not been reported in the literature in individuals with GALNT12-related disease. This variant is present in population databases (rs780049629, ExAC 0.003%). This sequence change replaces aspartic acid with glutamic acid at codon 176 of the GALNT12 protein (p.Asp176Glu). The aspartic acid residue is highly conserved and there is a small physicochemical difference between aspartic acid and glutamic acid.